The following is an entry in ClinVar:

ClinVar aggregate classification (germline): Uncertain significance (1 of 4 stars; one submission).

gnomAD v4.1: 1 of 1,614,084 alleles (0.000062%); highest among the groups gnomAD compares: Non-Finnish European, 0.000085%; no homozygotes.

Submission:

Women's Health and Genetics/Laboratory Corporation of America, LabCorp
Classification: Uncertain significance. Last evaluated: 2026-03-18. Review status: criteria provided, single submitter. Criteria: LabCorp Variant Classification Summary - May 2015. Collection method: clinical testing. Allele origin: germline.
Comment: Variant summary: PSEN2 c.-5G>A is located in the untranslated mRNA region upstream of the initiation codon. The variant was absent in 251472 control chromosomes. The available data on variant occurrences in the general population are insufficient to allow any conclusion about variant significance. To our knowledge, no occurrence of c.-5G>A in individuals affected with PSEN2-related conditions and no experimental evidence demonstrating its impact on protein function have been reported. No submitters have cited clinical-significance assessments for this variant to ClinVar. Based on the evidence outlined above, the variant was classified as uncertain significance.

NM_000447.3(PSEN2):c.-5G>A

Gene: PSEN2 (presenilin 2; plus strand). Cytogenetic location: 1q42.13.
Variant type: single nucleotide variant.
Coding change: c.-5G>A on transcript NM_000447.3 (MANE Select); 5 bases upstream of the start codon, G replaced by A.
Molecular consequence: 5 prime UTR variant.
Genome position (GRCh38, 1-based): chr1:226,881,903, G>A. VCF-style: chr1-226881903-G-A. GRCh37 (hg19) VCF-style: chr1-227069604-G-A.
Other names: c.-5G>A (NM_001437537.1, NM_012486.3).
Identifiers: ClinVar variation 4847111 (VCV004847111.1).